The following is an entry in ClinVar:

NM_000548.5(TSC2):c.1748C>T (p.Ala583Val)

Gene: TSC2 (TSC complex subunit 2; plus strand). Cytogenetic location: 16p13.3.
Variant type: single nucleotide variant.
Coding change: c.1748C>T on transcript NM_000548.5 (MANE Select); coding-DNA position 1748, C replaced by T.
Protein change: p.Ala583Val; replaces alanine 583 with valine.
Molecular consequence: missense variant.
Genome position (GRCh38, 1-based): chr16:2,070,487, C>T. VCF-style: chr16-2070487-C-T. GRCh37 (hg19) VCF-style: chr16-2120488-C-T.
Other names: c.1748C>T, p.Ala583Val (NM_001077183.3, NM_001114382.3, NM_001363528.2 and 3 more transcripts); c.1637C>T, p.Ala546Val (NM_001318827.2); c.1601C>T, p.Ala534Val (NM_001318829.2); c.1148C>T, p.Ala383Val (NM_001318831.2); c.1781C>T, p.Ala594Val (NM_001318832.2); c.1748C>T (NM_000548.4); short protein forms A383V, A546V, A583V, A534V, A594V.
Identifiers: ClinVar variation 839663 (VCV000839663.22), dbSNP rs763863196, ClinGen allele CA033283.
Genomic context (GRCh38, chr16:2,070,487, plus strand): 5'-CCGTGGTGAGCTGCGTCCTCTCTCTGCAGACCAAGCTGTACACCCTGCCTGCAAGCCACG[C>T]CACGCGTGTGTATGAGATGCTGGTCAGCCACATTCAGCTCCACTACAAGCACAGCTACAC-3'
Protein context (NP_000539.2, residues 573-593): TKLYTLPASH[Ala583Val]TRVYEMLVSH

ClinVar aggregate classification (germline): Conflicting classifications of pathogenicity. Review status: criteria provided, conflicting classifications (1 of 4 stars). 7 submissions from 7 submitters: Uncertain significance (5); Benign (1). 1 of the submissions does not count toward it. Last evaluated 2026-01-27.

Conditions:
TSC2-related disorder. Also called: TSC2-Related Disorders; TSC2-related condition.
Hereditary cancer-predisposing syndrome. Also called: Neoplastic Syndromes, Hereditary; Hereditary neoplastic syndrome; Tumor predisposition; Hereditary Cancer Syndrome. Identifiers: Orphanet 140162, MedGen C0027672, MeSH D009386, MONDO:0015356.
Tuberous sclerosis 2 (TSC2). Identifiers: Orphanet 805, MedGen C1860707, MONDO:0013199, OMIM 613254.
Tuberous sclerosis syndrome (TSC). Also called: Tuberous Sclerosis Complex; Tuberous sclerosis. Identifiers: Orphanet 805, MedGen C0041341, MONDO:0001734.

Allele frequency attached by ClinVar (database versions not stated): gnomAD exomes 0.00001 and below 0.00001; ExAC 0.00002.
gnomAD v4.1: 4 of 1,613,438 alleles (0.00025%); highest among the groups gnomAD compares: Non-Finnish European, 0.00034%; no homozygotes.

Submissions (7):

Labcorp Genetics (formerly Invitae), Labcorp
Classification: Benign for Tuberous sclerosis 2. Last evaluated: 2026-01-27. Review status: criteria provided, single submitter. Criteria: Invitae Variant Classification Sherloc (09022015). Collection method: clinical testing. Allele origin: germline.

Ambry Genetics
Classification: Uncertain significance for Hereditary cancer-predisposing syndrome. Last evaluated: 2025-09-17. Review status: criteria provided, single submitter. Criteria: Ambry Variant Classification Scheme 2023. Collection method: clinical testing. Allele origin: germline.
Comment: The p.A583V variant (also known as c.1748C>T), located in coding exon 16 of the TSC2 gene, results from a C to T substitution at nucleotide position 1748. The alanine at codon 583 is replaced by valine, an amino acid with similar properties. This amino acid position is highly conserved in available vertebrate species. In addition, this alteration is predicted to be deleterious by in silico analysis. This variant was detected as heterozygous in individual(s) with no reported features of Tuberous sclerosis complex (Ambry internal data). Based on the available evidence, the clinical significance of this variant remains unclear.

Quest Diagnostics Nichols Institute San Juan Capistrano
Classification: Uncertain significance. Last evaluated: 2023-11-22. Review status: criteria provided, single submitter. Criteria: Quest Diagnostics criteria. Collection method: clinical testing. Allele origin: unknown.

All of Us Research Program, National Institutes of Health
Classification: Uncertain significance for Tuberous sclerosis syndrome. Last evaluated: 2023-06-08. Review status: criteria provided, single submitter. Criteria: ACMG Guidelines, 2015. Collection method: clinical testing. Allele origin: germline. Inheritance: Autosomal dominant inheritance. Observed: 1 variant allele, 1 heterozygote.
Comment: This missense variant replaces alanine with valine at codon 583 of the TSC2 protein. Computational prediction suggests that this variant may have deleterious impact on protein structure and function (internally defined REVEL score threshold >= 0.7, PMID: 27666373). To our knowledge, functional studies have not been reported for this variant. This variant has not been reported in individuals affected with tuberous sclerosis complex in the literature. This variant has been identified in 2/250868 chromosomes in the general population by the Genome Aggregation Database (gnomAD). The available evidence is insufficient to determine the role of this variant in disease conclusively. Therefore, this variant is classified as a Variant of Uncertain Significance.

This study involves interpretation of variants in research participants for the purpose of population health screening. Participant phenotype was not available at the time of variant classification. Additional details can be found in publication PMID: 35346344, PMCID: PMC8962531

Genome-Nilou Lab
Classification: Uncertain significance for Tuberous sclerosis 2. Last evaluated: 2021-11-07. Review status: criteria provided, single submitter. Criteria: ACMG Guidelines, 2015. Collection method: clinical testing. Allele origin: germline. Affected: no.

GeneDx
Classification: Uncertain significance. Last evaluated: 2019-09-20. Review status: criteria provided, single submitter. Criteria: GeneDx Variant Classification Process June 2021. Collection method: clinical testing. Allele origin: germline. Affected: yes.
Comment: In silico analysis, which includes protein predictors and evolutionary conservation, supports a deleterious effect; Has not been previously published as pathogenic or benign to our knowledge

PreventionGenetics, part of Exact Sciences
Classification: Uncertain significance for TSC2-related condition. Last evaluated: 2024-03-27. Review status: no assertion criteria provided. Collection method: clinical testing. Allele origin: germline. Not counted in ClinVar's aggregate classification.
Comment: The TSC2 c.1748C>T variant is predicted to result in the amino acid substitution p.Ala583Val. To our knowledge, this variant has not been reported in the literature. This variant is reported in 0.0018% of alleles in individuals of European (Non-Finnish) descent in gnomAD. Of note, different substitutions at the same codon were reported in individuals with tuberous sclerosis complex (TSC) or ovarian cancer, but the clinical significance was uncertain (p.Ala583Asp in TSC in Table S1 of Ogórek et al. 2020. PubMed ID: 32461669; p.Ala583Thr as germline variant in Table 2 and Suppl. Table 2 of Lee et al. 2018. PubMed ID: 29607586). At this time, the clinical significance of the c.1748C>T (p.Ala583Val) variant is uncertain due to the absence of conclusive functional and genetic evidence.